The following is an entry in ClinVar:

ClinVar aggregate classification (germline): Uncertain significance. Review status: criteria provided, multiple submitters, no conflicts (2 of 4 stars). 2 submissions from 2 submitters: Uncertain significance (2). Last evaluated 2022-08-01.

Allele frequency attached by ClinVar (database versions not stated): TOPMed 0.00003; ExAC 0.00004; gnomAD 0.00004; gnomAD exomes 0.00005; 1000 Genomes Project 30x 0.00016; 1000 Genomes Project 0.00020.
gnomAD v4.1: 71 of 1,614,122 alleles (0.0044%); highest among the groups gnomAD compares: Non-Finnish European, 0.0058%; no homozygotes.

Submissions (2):

CeGaT Center for Human Genetics Tuebingen
Classification: Uncertain significance. Last evaluated: 2022-08-01. Review status: criteria provided, single submitter. Criteria: CeGaT Center For Human Genetics Tuebingen Variant Classification Criteria Version 2. Collection method: clinical testing. Allele origin: germline. Affected: yes. Observed: 1 variant allele.
Comment: NOTCH3: PM2, PP2, BP4

Labcorp Genetics (formerly Invitae), Labcorp
Classification: Uncertain significance. Last evaluated: 2022-07-23. Review status: criteria provided, single submitter. Criteria: Invitae Variant Classification Sherloc (09022015). Collection method: clinical testing. Allele origin: germline.
Comment: In summary, the available evidence is currently insufficient to determine the role of this variant in disease. Therefore, it has been classified as a Variant of Uncertain Significance. Advanced modeling of protein sequence and biophysical properties (such as structural, functional, and spatial information, amino acid conservation, physicochemical variation, residue mobility, and thermodynamic stability) performed at Invitae indicates that this missense variant is not expected to disrupt NOTCH3 protein function. This variant has not been reported in the literature in individuals affected with NOTCH3-related conditions. This variant is present in population databases (rs563135804, gnomAD 0.006%). This sequence change replaces glutamine, which is neutral and polar, with arginine, which is basic and polar, at codon 2302 of the NOTCH3 protein (p.Gln2302Arg).

NM_000435.3(NOTCH3):c.6905A>G (p.Gln2302Arg)

Gene: NOTCH3 (notch receptor 3; minus strand). Cytogenetic location: 19p13.12.
Variant type: single nucleotide variant.
Coding change: c.6905A>G on transcript NM_000435.3 (MANE Select); coding-DNA position 6905, A replaced by G.
Protein change: p.Gln2302Arg; replaces glutamine 2302 with arginine.
Molecular consequence: missense variant.
Genome position (GRCh38, 1-based): chr19:15,160,723, T>C on the plus strand (A>G on the coding strand, the complement: NOTCH3 is on the minus strand). VCF-style: chr19-15160723-T-C. GRCh37 (hg19) VCF-style: chr19-15271534-T-C.
Other names: short protein forms Q2302R.
Identifiers: ClinVar variation 1711469 (VCV001711469.34), dbSNP rs563135804, ClinGen allele CA9262276.